The following is an entry in ClinVar:

NM_001166160.2(PPP1R9A):c.1162A>C (p.Asn388His)

Gene: PPP1R9A (protein phosphatase 1 regulatory subunit 9A; plus strand). Cytogenetic location: 7q21.3.
Variant type: single nucleotide variant.
Coding change: c.1162A>C on transcript NM_001166160.2 (MANE Select); coding-DNA position 1162, A replaced by C.
Protein change: p.Asn388His; replaces asparagine 388 with histidine.
Molecular consequence: missense variant.
Genome position (GRCh38, 1-based): chr7:94,911,275, A>C. VCF-style: chr7-94911275-A-C. GRCh37 (hg19) VCF-style: chr7-94540587-A-C.
Other names: c.1162A>C, p.Asn388His (NM_017650.3, NM_001166161.1, NM_001166162.1 and 1 more transcripts); short protein forms N388H.
Identifiers: ClinVar variation 3031615 (VCV003031615.2), dbSNP rs533941663, ClinGen allele CA4349354.

ClinVar aggregate classification (germline): Likely benign (0 of 4 stars; one submission).

Conditions:
PPP1R9A-related disorder. Also called: PPP1R9A-related condition.

gnomAD v4.1: 80 of 1,614,022 alleles (0.005%); highest among the groups gnomAD compares: Admixed American, 0.13%; no homozygotes.

Submission:

PreventionGenetics, part of Exact Sciences
Classification: Likely benign for PPP1R9A-related condition. Last evaluated: 2023-04-19. Review status: no assertion criteria provided. Collection method: clinical testing. Allele origin: germline.
Comment: This variant is classified as likely benign based on ACMG/AMP sequence variant interpretation guidelines (Richards et al. 2015 PMID: 25741868, with internal and published modifications).